The following is an entry in ClinVar:

NM_024598.4(USB1):c.199C>T (p.His67Tyr)

Gene: USB1 (U6 snRNA biogenesis phosphodiesterase 1; plus strand). Cytogenetic location: 16q21.
Variant type: single nucleotide variant.
Coding change: c.199C>T on transcript NM_024598.4 (MANE Select); coding-DNA position 199, C replaced by T.
Protein change: p.His67Tyr; replaces histidine 67 with tyrosine.
Molecular consequence: missense variant.
Genome position (GRCh38, 1-based): chr16:58,002,579, C>T. VCF-style: chr16-58002579-C-T. GRCh37 (hg19) VCF-style: chr16-58036483-C-T.
Other names: c.199C>T, p.His67Tyr (NM_001195302.2, NM_001204911.2, NM_001330569.2); c.46C>T, p.His16Tyr (NM_001330568.2); short protein forms H16Y, H67Y.
Identifiers: ClinVar variation 4196790 (VCV004196790.1).

ClinVar aggregate classification (germline): Uncertain significance (1 of 4 stars; one submission).

Conditions:
Inborn genetic diseases. Identifiers: MedGen C0950123, MeSH D030342.

Submission:

Ambry Genetics
Classification: Uncertain significance for Inborn genetic diseases. Last evaluated: 2025-06-21. Review status: criteria provided, single submitter. Criteria: Ambry Variant Classification Scheme 2023. Collection method: clinical testing. Allele origin: germline.
Comment: The p.H67Y variant (also known as c.199C>T), located in coding exon 2 of the USB1 gene, results from a C to T substitution at nucleotide position 199. The histidine at codon 67 is replaced by tyrosine, an amino acid with similar properties. This amino acid position is conserved. In addition, this alteration is predicted to be deleterious by in silico analysis. Based on the available evidence, the clinical significance of this variant remains unclear.